The following is an entry in ClinVar:

NM_002485.5(NBN):c.*419C>T

Gene: NBN (nibrin; minus strand). Cytogenetic location: 8q21.3.
Variant type: single nucleotide variant.
Coding change: c.*419C>T on transcript NM_002485.5 (MANE Select); 419 bases downstream of the stop codon, C replaced by T.
Molecular consequence: 3 prime UTR variant.
Genome position (GRCh38, 1-based): chr8:89,935,163, G>A on the plus strand (C>T on the coding strand, the complement: NBN is on the minus strand). VCF-style: chr8-89935163-G-A. GRCh37 (hg19) VCF-style: chr8-90947391-G-A.
Other names: c.*419C>T (NM_001024688.3).
Identifiers: ClinVar variation 363908 (VCV000363908.5), dbSNP rs13312979, ClinGen allele CA10625892.

ClinVar aggregate classification (germline): Benign (1 of 4 stars; one submission).

Conditions:
Microcephaly, normal intelligence and immunodeficiency (NBS). Also called: Ataxia telangiectasia variant V1; Immunodeficiency, microcephaly with normal intelligence; IMMUNODEFICIENCY, MICROCEPHALY, AND CHROMOSOMAL INSTABILITY; SEEMANOVA SYNDROME II; Nijmegen breakage syndrome; Microcephaly with normal intelligence immunodeficiency and lymphoreticular malignancies. Identifiers: Orphanet 647, MedGen C0398791, MONDO:0009623, OMIM 251260.

Allele frequency attached by ClinVar (database versions not stated): gnomAD exomes 0.00146; gnomAD 0.00989 and 0.01028; TOPMed 0.01064; 1000 Genomes Project 0.01478; 1000 Genomes Project 30x 0.01546.

Submission:

Illumina Laboratory Services, Illumina
Classification: Benign for Microcephaly, normal intelligence and immunodeficiency. Last evaluated: 2018-01-13. Review status: criteria provided, single submitter. Criteria: ICSL Variant Classification Criteria 13 December 2019. Collection method: clinical testing. Allele origin: germline.
Comment: This variant was observed in the ICSL laboratory as part of a predisposition screen in an ostensibly healthy population. It had not been previously curated by ICSL or reported in the Human Gene Mutation Database (HGMD: prior to June 1st, 2018), and was therefore a candidate for classification through an automated scoring system. Utilizing variant allele frequency, disease prevalence and penetrance estimates, and inheritance mode, an automated score was calculated to assess if this variant is too frequent to cause the disease. Based on the score and internal cut-off values, a variant classified as benign is not then subjected to further curation. The score for this variant resulted in a classification of benign for this disease.